The following is an entry in ClinVar:

NM_001330260.2(SCN8A):c.817T>C (p.Phe273Leu)

Gene: SCN8A (sodium voltage-gated channel alpha subunit 8; plus strand). Cytogenetic location: 12q13.13.
Variant type: single nucleotide variant.
Coding change: c.817T>C on transcript NM_001330260.2 (MANE Select); coding-DNA position 817, T replaced by C.
Protein change: p.Phe273Leu; replaces phenylalanine 273 with leucine.
Molecular consequence: missense variant.
Genome position (GRCh38, 1-based): chr12:51,699,680, T>C. VCF-style: chr12-51699680-T-C. GRCh37 (hg19) VCF-style: chr12-52093464-T-C.
Other names: p.F273L:TTC>CTC; c.817T>C, p.Phe273Leu (NM_001177984.3, NM_001369788.1, NM_014191.4); c.817T>C (NM_001330260.1); short protein forms F273L.
Identifiers: ClinVar variation 207141 (VCV000207141.5), dbSNP rs796053234, ClinGen allele CA318319.

ClinVar aggregate classification (germline): Uncertain significance. Review status: criteria provided, multiple submitters, no conflicts (2 of 4 stars). 2 submissions from 2 submitters: Uncertain significance (2). Last evaluated 2026-10-07.

Conditions:
Early-infantile DEE. Also called: Early infantile epileptic encephalopathy; Early infantile epileptic encephalopathy with suppression bursts; Ohtahara syndrome. Identifiers: Orphanet 1934, MedGen C0393706, MONDO:0800491.

Submissions (2):

GeneDx
Classification: Uncertain significance. Last evaluated: 2026-10-07. Review status: criteria provided, single submitter. Criteria: GeneDx Variant Classification Process June 2021. Collection method: clinical testing. Allele origin: germline.
Comment: Not observed at significant frequency in large population cohorts (gnomAD); In silico analysis supports that this missense variant has a deleterious effect on protein structure/function; Has not been previously published as pathogenic or benign to our knowledge; This substitution is predicted to be within the transmembrane segment S5 of the first homologous domain

Labcorp Genetics (formerly Invitae), Labcorp
Classification: Uncertain significance for Early-infantile DEE. Last evaluated: 2024-02-06. Review status: criteria provided, single submitter. Criteria: Invitae Variant Classification Sherloc (09022015). Collection method: clinical testing. Allele origin: germline.
Comment: This sequence change replaces phenylalanine, which is neutral and non-polar, with leucine, which is neutral and non-polar, at codon 273 of the SCN8A protein (p.Phe273Leu). This variant is not present in population databases (gnomAD no frequency). This variant has not been reported in the literature in individuals affected with SCN8A-related conditions. ClinVar contains an entry for this variant (Variation ID: 207141). Advanced modeling of protein sequence and biophysical properties (such as structural, functional, and spatial information, amino acid conservation, physicochemical variation, residue mobility, and thermodynamic stability) performed at Invitae indicates that this missense variant is expected to disrupt SCN8A protein function with a positive predictive value of 95%. In summary, the available evidence is currently insufficient to determine the role of this variant in disease. Therefore, it has been classified as a Variant of Uncertain Significance.